The following is an entry in ClinVar:

NM_000138.5(FBN1):c.6626A>T (p.Glu2209Val)

Gene: FBN1 (fibrillin 1; minus strand). Cytogenetic location: 15q21.1.
Variant type: single nucleotide variant.
Coding change: c.6626A>T on transcript NM_000138.5 (MANE Select); coding-DNA position 6626, A replaced by T.
Protein change: p.Glu2209Val; replaces glutamic acid 2209 with valine.
Molecular consequence: missense variant.
Genome position (GRCh38, 1-based): chr15:48,432,979, T>A on the plus strand (A>T on the coding strand, the complement: FBN1 is on the minus strand). VCF-style: chr15-48432979-T-A. GRCh37 (hg19) VCF-style: chr15-48725176-T-A.
Other names: short protein forms E2209V.
Identifiers: ClinVar variation 1312035 (VCV001312035.2), dbSNP rs1060501072, ClinGen allele CA392333717.
Genomic context (GRCh38, chr15:48,432,979, plus strand): 5'-TCATATGACCCATAAGTGTTCACACATCGGAAGGCACAGAGCAGAGGATTCTGGGCACAT[T>A]CATTTATATCTGCAGCAGAGGAGAGTAAGTAAATAAGGGATCATGGACAGCAACAAAAGG-3'
Protein context (NP_000129.3, residues 2199-2219): GPMMTCEDIN[Glu2209Val]CAQNPLLCAF

ClinVar aggregate classification (germline): Uncertain significance (1 of 4 stars; one submission).

Submission:

GeneDx
Classification: Uncertain significance. Last evaluated: 2020-01-27. Review status: criteria provided, single submitter. Criteria: GeneDx Variant Classification Process June 2021. Collection method: clinical testing. Allele origin: germline. Affected: yes.
Comment: Has not been previously published as pathogenic or benign to our knowledge; Not observed in large population cohorts (Lek et al., 2016); At the protein level, in silico analysis, which includes protein predictors and evolutionary conservation, supports a deleterious effect; At the RNA level, in silico analysis, which includes splice predictors and evolutionary conservation, suggests this variant may impact gene splicing; in the absence of RNA/functional studies, the actual effect of this sequence change is unknown